The following is an entry in ClinVar:

NM_198578.4(LRRK2):c.293G>T (p.Ser98Ile)

Gene: LRRK2 (leucine rich repeat kinase 2; plus strand). Cytogenetic location: 12q12.
Variant type: single nucleotide variant.
Coding change: c.293G>T on transcript NM_198578.4 (MANE Select); coding-DNA position 293, G replaced by T.
Protein change: p.Ser98Ile; replaces serine 98 with isoleucine.
Molecular consequence: missense variant.
Genome position (GRCh38, 1-based): chr12:40,232,329, G>T. VCF-style: chr12-40232329-G-T. GRCh37 (hg19) VCF-style: chr12-40626131-G-T.
Other names: short protein forms S98I.
Identifiers: ClinVar variation 2587271 (VCV002587271.2), dbSNP rs2499381543, ClinGen allele CA384401517.

ClinVar aggregate classification (germline): Uncertain significance (1 of 4 stars; one submission).

Conditions:
Inborn genetic diseases. Identifiers: MedGen C0950123, MeSH D030342.

Allele frequency attached by ClinVar (database versions not stated): gnomAD exomes 0.00001.
gnomAD v4.1: 8 of 1,614,150 alleles (0.0005%); highest among the groups gnomAD compares: Non-Finnish European, 0.00068%; no homozygotes.

Submission:

Ambry Genetics
Classification: Uncertain significance for Inborn genetic diseases. Last evaluated: 2023-07-27. Review status: criteria provided, single submitter. Criteria: Ambry Variant Classification Scheme 2023. Collection method: clinical testing. Allele origin: germline.
Comment: The p.S98I variant (also known as c.293G>T), located in coding exon 3 of the LRRK2 gene, results from a G to T substitution at nucleotide position 293. The serine at codon 98 is replaced by isoleucine, an amino acid with dissimilar properties. This amino acid position is conserved. In addition, this alteration is predicted to be tolerated by in silico analysis. Since supporting evidence is limited at this time, the clinical significance of this alteration remains unclear.